The following is an entry in ClinVar:

ClinVar aggregate classification (germline): Benign/Likely benign. Review status: criteria provided, multiple submitters, no conflicts (2 of 4 stars). 12 submissions from 12 submitters: Benign (9); Likely benign (1). 2 of the submissions do not count toward it. Last evaluated 2026-02-03.

Conditions:
Myopathy, centronuclear, 2 (CNM2). Also called: MYOTUBULAR MYOPATHY, AUTOSOMAL RECESSIVE. Identifiers: Orphanet 169186, MedGen CN031787, MONDO:0009709, OMIM 255200.

Allele frequency attached by ClinVar (database versions not stated): gnomAD exomes 0.17613 and 0.19293; 1000 Genomes Project 30x 0.18723; 1000 Genomes Project 0.18730; TOPMed 0.19222; ESP Exome Variant Server 0.19794; gnomAD 0.20017 and 0.20254; ExAC 0.22303.
gnomAD v4.1: 302,272 of 1,564,704 alleles (19%); highest among the groups gnomAD compares: African/African-American, 25%; 29,872 homozygotes.

Submissions 1 to 28 of 46:

Labcorp Genetics (formerly Invitae), Labcorp
Classification: Benign for Myopathy, centronuclear, 2. Last evaluated: 2026-02-03. Review status: criteria provided, single submitter. Criteria: Invitae Variant Classification Sherloc (09022015). Collection method: clinical testing. Allele origin: germline.

Blueprint Genetics
Classification: Likely benign. Last evaluated: 2024-11-26. Review status: criteria provided, single submitter. Criteria: ACMG Guidelines, 2015. Collection method: clinical testing. Allele origin: germline.

Genome-Nilou Lab
Classification: Benign for Myopathy, centronuclear, 2. Last evaluated: 2021-07-14. Review status: criteria provided, single submitter. Criteria: ACMG Guidelines, 2015. Collection method: clinical testing. Allele origin: germline. Affected: no.

Illumina Laboratory Services, Illumina
Classification: Benign for Myopathy, centronuclear, 2. Last evaluated: 2018-01-12. Review status: criteria provided, single submitter. Criteria: ICSL Variant Classification Criteria 13 December 2019. Collection method: clinical testing. Allele origin: germline.
Comment: This variant was observed in the ICSL laboratory as part of a predisposition screen in an ostensibly healthy population. It had not been previously curated by ICSL or reported in the Human Gene Mutation Database (HGMD: prior to June 1st, 2018), and was therefore a candidate for classification through an automated scoring system. Utilizing variant allele frequency, disease prevalence and penetrance estimates, and inheritance mode, an automated score was calculated to assess if this variant is too frequent to cause the disease. Based on the score and internal cut-off values, a variant classified as benign is not then subjected to further curation. The score for this variant resulted in a classification of benign for this disease.

Eurofins Ntd Llc (ga)
Classification: Benign. Last evaluated: 2016-04-07. Review status: criteria provided, single submitter. Criteria: EGL Classification Definitions 2015. Collection method: clinical testing. Allele origin: germline. Observed: 15 variant alleles, 13 heterozygotes, 2 homozygotes.

GeneDx
Classification: Benign. Last evaluated: 2016-01-29. Review status: criteria provided, single submitter. Criteria: GeneDx Variant Classification (06012015). Collection method: clinical testing. Allele origin: germline. Affected: yes.
Comment: This variant is considered likely benign or benign based on one or more of the following criteria: it is a conservative change, it occurs at a poorly conserved position in the protein, it is predicted to be benign by multiple in silico algorithms, and/or has population frequency not consistent with disease.

Laboratory for Molecular Medicine, Mass General Brigham Personalized Medicine
Classification: Benign. Last evaluated: 2014-11-24. Review status: criteria provided, single submitter. Criteria: LMM Criteria. Collection method: clinical testing. Allele origin: germline. Observed: 4 variant alleles.
Comment: 858-12C>A in intron 10 of BIN1: This variant is not expected to have clinical si gnificance because it has been identified in 22.3% (978/4376) of African America n chromosomes from a broad population by the NHLBI Exome Sequencing Project (dbSNP rs6720741).

Genetic Services Laboratory, University of Chicago
Classification: Benign. Last evaluated: 2013-02-08. Review status: criteria provided, single submitter. Criteria: ACMG Guidelines, 2007. Collection method: clinical testing. Allele origin: germline. Inheritance: Autosomal recessive inheritance.

Breakthrough Genomics
Classification: Benign. Review status: criteria provided, single submitter. Criteria: ACMG Guidelines, 2015. Collection method: not provided. Allele origin: germline. Inheritance: Autosomal recessive inheritance. Affected: yes.

PreventionGenetics, part of Exact Sciences
Classification: Benign. Review status: criteria provided, single submitter. Criteria: ACMG Guidelines, 2015. Collection method: clinical testing. Allele origin: germline.

Diagnostic Laboratory, Department of Genetics, University Medical Center Groningen
Classification: Benign. Review status: no assertion criteria provided. Collection method: clinical testing. Allele origin: germline. Affected: yes. Study: VKGL Data-share Consensus. Not counted in ClinVar's aggregate classification.

Dr. Peter K. Rogan Lab, Western University
No classification provided (evidence only). Condition: Familial cancer of breast. Review status: no classification provided. Collection method: in vitro. Allele origin: not applicable. Functional consequence: retained intron. Not counted in ClinVar's aggregate classification.

Dr. Peter K. Rogan Lab, Western University
No classification provided (evidence only). Condition: Malignant lymphoma, large B-cell, diffuse. Review status: no classification provided. Collection method: in vitro. Allele origin: not applicable. Functional consequence: retained intron. Not counted in ClinVar's aggregate classification.

Dr. Peter K. Rogan Lab, Western University
No classification provided (evidence only). Condition: Malignant lymphoma, large B-cell, diffuse. Review status: no classification provided. Collection method: in vitro. Allele origin: not applicable. Functional consequence: retained intron. Not counted in ClinVar's aggregate classification.

Dr. Peter K. Rogan Lab, Western University
No classification provided (evidence only). Condition: Malignant lymphoma, large B-cell, diffuse. Review status: no classification provided. Collection method: in vitro. Allele origin: not applicable. Functional consequence: retained intron. Not counted in ClinVar's aggregate classification.

Dr. Peter K. Rogan Lab, Western University
No classification provided (evidence only). Condition: Malignant lymphoma, large B-cell, diffuse. Review status: no classification provided. Collection method: in vitro. Allele origin: not applicable. Functional consequence: retained intron. Not counted in ClinVar's aggregate classification.

Dr. Peter K. Rogan Lab, Western University
No classification provided (evidence only). Condition: Uterine carcinosarcoma. Review status: no classification provided. Collection method: in vitro. Allele origin: not applicable. Functional consequence: retained intron. Not counted in ClinVar's aggregate classification.

Dr. Peter K. Rogan Lab, Western University
No classification provided (evidence only). Condition: Uterine carcinosarcoma. Review status: no classification provided. Collection method: in vitro. Allele origin: not applicable. Functional consequence: retained intron. Not counted in ClinVar's aggregate classification.

Dr. Peter K. Rogan Lab, Western University
No classification provided (evidence only). Condition: Uterine carcinosarcoma. Review status: no classification provided. Collection method: in vitro. Allele origin: not applicable. Functional consequence: skipped exon. Not counted in ClinVar's aggregate classification.

Dr. Peter K. Rogan Lab, Western University
No classification provided (evidence only). Condition: Uterine carcinosarcoma. Review status: no classification provided. Collection method: in vitro. Allele origin: not applicable. Functional consequence: retained intron. Not counted in ClinVar's aggregate classification.

Dr. Peter K. Rogan Lab, Western University
No classification provided (evidence only). Condition: Uterine carcinosarcoma. Review status: no classification provided. Collection method: in vitro. Allele origin: not applicable. Functional consequence: retained intron. Not counted in ClinVar's aggregate classification.

Dr. Peter K. Rogan Lab, Western University
No classification provided (evidence only). Condition: Uterine carcinosarcoma. Review status: no classification provided. Collection method: in vitro. Allele origin: not applicable. Functional consequence: skipped exon, retained intron. Not counted in ClinVar's aggregate classification.

Dr. Peter K. Rogan Lab, Western University
No classification provided (evidence only). Condition: Chronic lymphocytic leukemia/small lymphocytic lymphoma. Review status: no classification provided. Collection method: in vitro. Allele origin: not applicable. Functional consequence: retained intron. Not counted in ClinVar's aggregate classification.

Dr. Peter K. Rogan Lab, Western University
No classification provided (evidence only). Condition: Chronic lymphocytic leukemia/small lymphocytic lymphoma. Review status: no classification provided. Collection method: in vitro. Allele origin: not applicable. Functional consequence: retained intron. Not counted in ClinVar's aggregate classification.

Dr. Peter K. Rogan Lab, Western University
No classification provided (evidence only). Condition: Chronic lymphocytic leukemia/small lymphocytic lymphoma. Review status: no classification provided. Collection method: in vitro. Allele origin: not applicable. Functional consequence: retained intron. Not counted in ClinVar's aggregate classification.

Dr. Peter K. Rogan Lab, Western University
No classification provided (evidence only). Condition: Chronic lymphocytic leukemia/small lymphocytic lymphoma. Review status: no classification provided. Collection method: in vitro. Allele origin: not applicable. Functional consequence: retained intron. Not counted in ClinVar's aggregate classification.

Dr. Peter K. Rogan Lab, Western University
No classification provided (evidence only). Condition: Chronic lymphocytic leukemia/small lymphocytic lymphoma. Review status: no classification provided. Collection method: in vitro. Allele origin: not applicable. Functional consequence: retained intron. Not counted in ClinVar's aggregate classification.

Dr. Peter K. Rogan Lab, Western University
No classification provided (evidence only). Condition: Chronic lymphocytic leukemia/small lymphocytic lymphoma. Review status: no classification provided. Collection method: in vitro. Allele origin: not applicable. Functional consequence: retained intron. Not counted in ClinVar's aggregate classification.

NM_139343.3(BIN1):c.858-12C>A

Gene: BIN1 (bridging integrator 1; minus strand). Cytogenetic location: 2q14.3.
Variant type: single nucleotide variant.
Coding change: c.858-12C>A on transcript NM_139343.3 (MANE Select); 12 bases into the intron before coding-DNA position 858, C replaced by A.
Molecular consequence: intron variant.
Genome position (GRCh38, 1-based): chr2:127,059,167, G>T on the plus strand (C>A on the coding strand, the complement: BIN1 is on the minus strand). VCF-style: chr2-127059167-G-T. GRCh37 (hg19) VCF-style: chr2-127816743-G-T.
Other names: c.777-12C>A (NM_001320642.1); c.693-12C>A (NM_001320634.1); c.765-12C>A (NM_139351.3, NM_139350.3, NM_139349.3 and 3 more transcripts); c.810-12C>A (NM_001320632.2, NM_004305.4, NM_139346.3); c.858-12C>A (NM_001320633.2, NM_139345.3, NM_139344.3 and 1 more transcripts).
Identifiers: ClinVar variation 158020 (VCV000158020.33), dbSNP rs6720741, ClinGen allele CA171409.